The following is an entry in ClinVar:

NM_018060.4(IARS2):c.547_550del (p.Lys183fs)

Gene: IARS2 (isoleucyl-tRNA synthetase 2, mitochondrial; plus strand). Cytogenetic location: 1q41.
Variant type: Microsatellite.
Coding change: c.547_550del on transcript NM_018060.4 (MANE Select); coding-DNA positions 547 to 550, 4 bases deleted (AAAG; older notation c.547_550delAAAG).
Protein change: p.Lys183fs; shifts the reading frame from lysine 183.
Molecular consequence: frameshift variant.
Genome position (GRCh38, 1-based): chr1:220,100,646-220,100,649, AAAG deleted; deleting any 4 consecutive bases within chr1:220,100,640-220,100,649 gives the same sequence; the c. name uses the placement nearest the transcript's 3' end. VCF-style (leftmost placement, unchanged base first): chr1-220100639-TAGAA-T. GRCh37 (hg19) VCF-style: chr1-220273981-TAGAA-T.
Other names: short protein forms K183fs.
Identifiers: ClinVar variation 2413139 (VCV002413139.27), dbSNP rs754577516, ClinGen allele CA1401125.
Genomic context (GRCh38, chr1:220,100,639, plus strand): 5'-TGAAATAAAAGTATTATCAGAACTTGGTAGAGAAGCTCAGAATCTTTCAGCTATGGAAAT[TAGAA>T]AGAAAGGTAAATAATCTGTATTTCTGTTTTAAAATGATATTTGTAAACACTCAGGTCCTT-3'

ClinVar aggregate classification (germline): Pathogenic/Likely pathogenic. Review status: criteria provided, multiple submitters, no conflicts (2 of 4 stars). 2 submissions from 2 submitters: Pathogenic (1); Likely pathogenic (1). Last evaluated 2023-12-01.

Conditions:
Leigh syndrome (NULS). Also called: Leigh's syndrome; Leigh's necrotizing encephalopathy; Leigh's disease; Leigh Disease; Subacute necrotizing encephalopathy; Necrotizing encephalopathy infantile subacute of Leigh. Identifiers: Orphanet 506, MedGen C2931891, MONDO:0009723, OMIM 256000.

Submissions (2):

CeGaT Center for Human Genetics Tuebingen
Classification: Pathogenic. Last evaluated: 2023-12-01. Review status: criteria provided, single submitter. Criteria: CeGaT Center For Human Genetics Tuebingen Variant Classification Criteria Version 2. Collection method: clinical testing. Allele origin: germline. Affected: yes. Observed: 1 variant allele.
Comment: IARS2: PVS1, PM2

Laboratory of Inherited Metabolic Diseases, Research centre for medical genetics
Classification: Likely pathogenic for Leigh syndrome. Last evaluated: 2023-01-31. Review status: criteria provided, single submitter. Criteria: ACMG Guidelines, 2015. Collection method: clinical testing. Allele origin: unknown. Inheritance: Autosomal recessive inheritance. Affected: yes. Observed: 1 variant allele.